The following is an entry in ClinVar:

ClinVar aggregate classification (germline): Uncertain significance (1 of 4 stars; one submission).

Allele frequency attached by ClinVar (database versions not stated): TOPMed below 0.00001.

Submission:

GeneDx
Classification: Uncertain significance. Last evaluated: 2023-03-21. Review status: criteria provided, single submitter. Criteria: GeneDx Variant Classification Process June 2021. Collection method: clinical testing. Allele origin: germline. Affected: yes.
Comment: Not observed at significant frequency in large population cohorts (gnomAD); In silico analysis supports that this missense variant has a deleterious effect on protein structure/function; Has not been previously published as pathogenic or benign to our knowledge

NM_002249.6(KCNN3):c.1371C>G (p.Ile457Met)

Gene: KCNN3 (potassium calcium-activated channel subfamily N member 3; minus strand). Cytogenetic location: 1q21.3.
Variant type: single nucleotide variant.
Coding change: c.1371C>G on transcript NM_002249.6 (MANE Select); coding-DNA position 1371, C replaced by G.
Protein change: p.Ile457Met; replaces isoleucine 457 with methionine.
Molecular consequence: missense variant.
Genome position (GRCh38, 1-based): chr1:154,772,052, G>C on the plus strand (C>G on the coding strand, the complement: KCNN3 is on the minus strand). VCF-style: chr1-154772052-G-C. GRCh37 (hg19) VCF-style: chr1-154744528-G-C.
Other names: c.1371C>G, p.Ile457Met (NM_001204087.2); c.432C>G, p.Ile144Met (NM_001365837.1, NM_001365838.1); c.456C>G, p.Ile152Met (NM_170782.3); short protein forms I144M, I152M, I457M.
Identifiers: ClinVar variation 2580494 (VCV002580494.1), dbSNP rs1648583329, ClinGen allele CA343066464.